The following is an entry in ClinVar:

NM_206933.4(USH2A):c.9259-14A>C

Gene: USH2A (usherin; minus strand). Cytogenetic location: 1q41.
Variant type: single nucleotide variant.
Coding change: c.9259-14A>C on transcript NM_206933.4 (MANE Select); 14 bases into the intron before coding-DNA position 9259, A replaced by C.
Molecular consequence: intron variant.
Genome position (GRCh38, 1-based): chr1:215,838,117, T>G on the plus strand (A>C on the coding strand, the complement: USH2A is on the minus strand). VCF-style: chr1-215838117-T-G. GRCh37 (hg19) VCF-style: chr1-216011459-T-G.
Identifiers: ClinVar variation 227149 (VCV000227149.18), dbSNP rs561590242, ClinGen allele CA1394369.

ClinVar aggregate classification (germline): Benign/Likely benign. Review status: criteria provided, multiple submitters, no conflicts (2 of 4 stars). 7 submissions from 6 submitters: Benign (4); Likely benign (3). Last evaluated 2026-01-26.

Conditions:
Retinitis pigmentosa 39 (RP39). Identifiers: Orphanet 791, MedGen C3151138, MONDO:0013436, OMIM 613809.
Usher syndrome type 2A. Also called: RETINAL DISEASE IN USHER SYNDROME TYPE IIA, MODIFIER OF; USHER SYNDROME, TYPE IIA. Identifiers: Orphanet 231178, Orphanet 886, MedGen C1848634, MONDO:0010169, OMIM 276901.

Allele frequency attached by ClinVar (database versions not stated): gnomAD 0.00001 and 0.00016; TOPMed 0.00007; gnomAD exomes 0.00036 and 0.00075; 1000 Genomes Project 30x 0.00078; ExAC 0.00091; 1000 Genomes Project 0.00100.
gnomAD v4.1: 546 of 1,603,556 alleles (0.034%); highest among the groups gnomAD compares: South Asian, 0.57%; 5 homozygotes.

Submissions (7):

Labcorp Genetics (formerly Invitae), Labcorp
Classification: Benign. Last evaluated: 2026-01-26. Review status: criteria provided, single submitter. Criteria: Invitae Variant Classification Sherloc (09022015). Collection method: clinical testing. Allele origin: germline.

Blueprint Genetics
Classification: Likely benign. Last evaluated: 2024-08-12. Review status: criteria provided, single submitter. Criteria: ACMG Guidelines, 2015. Collection method: clinical testing. Allele origin: germline.

Genome-Nilou Lab
Classification: Benign for Retinitis pigmentosa 39. Last evaluated: 2023-04-11. Review status: criteria provided, single submitter. Criteria: ACMG Guidelines, 2015. Collection method: clinical testing. Allele origin: germline. Affected: no.

Genome-Nilou Lab
Classification: Benign for Usher syndrome type 2A. Last evaluated: 2023-04-11. Review status: criteria provided, single submitter. Criteria: ACMG Guidelines, 2015. Collection method: clinical testing. Allele origin: germline. Affected: no.

Women's Health and Genetics/Laboratory Corporation of America, LabCorp
Classification: Likely benign. Last evaluated: 2022-12-14. Review status: criteria provided, single submitter. Criteria: LabCorp Variant Classification Summary - May 2015. Collection method: clinical testing. Allele origin: germline.
Comment: Variant summary: USH2A c.9259-14A>C alters a non-conserved nucleotide located near a canonical splice site and therefore could affect mRNA splicing. 4/4 computational tools predict no significant impact on normal splicing. However, these predictions have yet to be confirmed by functional studies. The variant allele was found at a frequency of 0.00075 in 251180 control chromosomes in the gnomAD database, including 1 homozygote. This frequency is not significantly higher than estimated for a pathogenic variant in USH2A causing Usher Syndrome (0.00075 vs 0.011), however the presence of a homozygous individual is supportive of the benign nature of the variant. To our knowledge, no occurrence of c.9259-14A>C in individuals affected with Usher Syndrome and no experimental evidence demonstrating its impact on protein function have been reported. Three clinical diagnostic laboratories have submitted clinical-significance assessments for this variant to ClinVar after 2014 without evidence for independent evaluation. All laboratories classified the variant as benign/likely benign. Based on the evidence outlined above, the variant was classified as likely benign.

GeneDx
Classification: Likely benign. Last evaluated: 2021-06-05. Review status: criteria provided, single submitter. Criteria: GeneDx Variant Classification Process June 2021. Collection method: clinical testing. Allele origin: germline. Affected: yes.

Laboratory for Molecular Medicine, Mass General Brigham Personalized Medicine
Classification: Benign. Last evaluated: 2015-02-20. Review status: criteria provided, single submitter. Criteria: LMM Criteria. Collection method: clinical testing. Allele origin: germline. Observed: 1 variant allele.
Comment: c.9259-14A>C in intron 46 of USH2A: This variant is not expected to have clinica l significance because it has been identified in 0.7% (109/16498) of South Asia n chromosomes by the Exome Aggregation Consortium (ExAC; dbSNP rs561590242), and a cytosine "C" at this position does not diverg e from the 3' splice site consensus sequence.